The following is an entry in ClinVar:

ClinVar aggregate classification (germline): Pathogenic (1 of 4 stars; one submission).

Conditions:
Greig cephalopolysyndactyly syndrome (GCPS). Also called: POLYSYNDACTYLY WITH PECULIAR SKULL SHAPE; Greig syndrome; GLI3-Related Greig Cephalopolysyndactyly Syndrome. Identifiers: Orphanet 380, MedGen C0265306, MONDO:0008287, OMIM 175700.
Pallister-Hall syndrome (PHS). Also called: HYPOTHALAMIC HAMARTOBLASTOMA, HYPOPITUITARISM, IMPERFORATE ANUS, AND POSTAXIAL POLYDACTYLY; GLI3-Related Pallister-Hall Syndrome. Identifiers: Orphanet 672, MedGen C0265220, MONDO:0007804, OMIM 146510.

Submission:

Labcorp Genetics (formerly Invitae), Labcorp
Classification: Pathogenic for Pallister-Hall syndrome; Greig cephalopolysyndactyly syndrome. Last evaluated: 2022-10-08. Review status: criteria provided, single submitter. Criteria: Invitae Variant Classification Sherloc (09022015). Collection method: clinical testing. Allele origin: germline.
Comment: This variant has not been reported in the literature in individuals affected with GLI3-related conditions. For these reasons, this variant has been classified as Pathogenic. This variant is not present in population databases (gnomAD no frequency). This sequence change creates a premature translational stop signal (p.His179Thrfs*20) in the GLI3 gene. It is expected to result in an absent or disrupted protein product. Loss-of-function variants in GLI3 are known to be pathogenic (PMID: 10441570, 15739154, 18000979, 24736735).

Literature cited by the submitters: PubMed 10441570; PubMed 15739154; PubMed 18000979; PubMed 24736735.

NM_000168.6(GLI3):c.533dup (p.His179fs)

Gene: GLI3 (GLI family zinc finger 3; minus strand). Cytogenetic location: 7p14.1.
Variant type: Duplication.
Coding change: c.533dup on transcript NM_000168.6 (MANE Select); coding-DNA position 533, one base duplicated (C; older notation c.533dupC).
Protein change: p.His179fs; shifts the reading frame from histidine 179.
Molecular consequence: frameshift variant.
Genome position (GRCh38, 1-based): chr7:42,048,637, G duplicated on the plus strand (C on the coding strand, the reverse complement: GLI3 is on the minus strand); the first of 4 consecutive G bases (chr7:42,048,637-42,048,640); duplicating any one gives the same sequence. VCF-style (leftmost placement, unchanged base first): chr7-42048636-T-TG. GRCh37 (hg19) VCF-style: chr7-42088235-T-TG.
Other names: short protein forms H179fs.
Identifiers: ClinVar variation 2033452 (VCV002033452.4), dbSNP rs2484717536, ClinGen allele CA2580077124.